The following is an entry in ClinVar:

ClinVar aggregate classification (germline): Uncertain significance (1 of 4 stars; one submission).

Submission:

Labcorp Genetics (formerly Invitae), Labcorp
Classification: Uncertain significance. Last evaluated: 2022-09-17. Review status: criteria provided, single submitter. Criteria: Invitae Variant Classification Sherloc (09022015). Collection method: clinical testing. Allele origin: germline.
Comment: This variant, c.2277_2288del, results in the deletion of 4 amino acid(s) of the UNC80 protein (p.Gly763_Gly766del), but otherwise preserves the integrity of the reading frame. The frequency data for this variant in the population databases is considered unreliable, as metrics indicate poor data quality at this position in the gnomAD database. This variant has not been reported in the literature in individuals affected with UNC80-related conditions. ClinVar contains an entry for this variant (Variation ID: 1355197). Experimental studies and prediction algorithms are not available or were not evaluated, and the functional significance of this variant is currently unknown. In summary, the available evidence is currently insufficient to determine the role of this variant in disease. Therefore, it has been classified as a Variant of Uncertain Significance.

NM_001371986.1(UNC80):c.2277_2288del (p.Gly763_Gly766del)

Gene: UNC80 (unc-80 homolog, NALCN channel complex subunit; plus strand). Cytogenetic location: 2q34.
Variant type: Deletion.
Coding change: c.2277_2288del on transcript NM_001371986.1 (MANE Select); coding-DNA positions 2277 to 2288, 12 bases deleted (AGGTGGAGGAGG).
Protein change: p.Gly763_Gly766del.
Molecular consequence: inframe deletion.
Genome position (GRCh38, 1-based): chr2:209,820,625-209,820,636, AGGTGGAGGAGG deleted; deleting any 12 consecutive bases within chr2:209,820,616-209,820,636 gives the same sequence; the c. name uses the placement nearest the transcript's 3' end. VCF-style (leftmost placement, unchanged base first): chr2-209820615-ATGGAGGAGGAGG-A. GRCh37 (hg19) VCF-style: chr2-210685339-ATGGAGGAGGAGG-A.
Other names: c.2277_2288del, p.Gly763_Gly766del (NM_032504.2, NM_182587.4).
Identifiers: ClinVar variation 1355197 (VCV001355197.5), dbSNP rs767181561, ClinGen allele CA2083006.
Genomic context (GRCh38, chr2:209,820,615, plus strand): 5'-GAGCTGGAGATGGTGGAGGAGAAGAAGGAGGAGGTGGAGATGGAGGAGGTGGAGGAGGTG[ATGGAGGAGGAGG>A]TGGAGGAGGTGGAGGCGGCCCTTATGAGAAGAATGATAAGAACCAAGAGAAGGTATGACT-3'